The following is an entry in ClinVar:

ClinVar aggregate classification (germline): Uncertain significance (1 of 4 stars; one submission).

Allele frequency attached by ClinVar (database versions not stated): gnomAD exomes below 0.00001 and 0.00001; gnomAD 0.00001.
gnomAD v4.1: 4 of 1,613,622 alleles (0.00025%); highest among the groups gnomAD compares: African/African-American, 0.004%; no homozygotes.

Submission:

Labcorp Genetics (formerly Invitae), Labcorp
Classification: Uncertain significance. Last evaluated: 2021-04-12. Review status: criteria provided, single submitter. Criteria: Invitae Variant Classification Sherloc (09022015). Collection method: clinical testing. Allele origin: germline.
Comment: In summary, the available evidence is currently insufficient to determine the role of this variant in disease. Therefore, it has been classified as a Variant of Uncertain Significance. Advanced modeling of protein sequence and biophysical properties (such as structural, functional, and spatial information, amino acid conservation, physicochemical variation, residue mobility, and thermodynamic stability) performed at Invitae indicates that this missense variant is expected to disrupt ACO2 protein function. This variant has not been reported in the literature in individuals with ACO2-related conditions. This variant is not present in population databases (ExAC no frequency). This sequence change replaces threonine with alanine at codon 235 of the ACO2 protein (p.Thr235Ala). The threonine residue is highly conserved and there is a small physicochemical difference between threonine and alanine.

NM_001098.3(ACO2):c.703A>G (p.Thr235Ala)

Gene: ACO2 (aconitase 2; plus strand). Cytogenetic location: 22q13.2.
Variant type: single nucleotide variant.
Coding change: c.703A>G on transcript NM_001098.3 (MANE Select); coding-DNA position 703, A replaced by G.
Protein change: p.Thr235Ala; replaces threonine 235 with alanine.
Molecular consequence: missense variant.
Genome position (GRCh38, 1-based): chr22:41,515,785, A>G. VCF-style: chr22-41515785-A-G. GRCh37 (hg19) VCF-style: chr22-41911789-A-G.
Other names: short protein forms T235A.
Identifiers: ClinVar variation 1497037 (VCV001497037.8), dbSNP rs1346659594, ClinGen allele CA411719670.